The following is an entry in ClinVar:

ClinVar aggregate classification (germline): Uncertain significance. Review status: criteria provided, multiple submitters, no conflicts (2 of 4 stars). 3 submissions from 3 submitters: Uncertain significance (3). Last evaluated 2024-03-30.

Conditions:
Emery-Dreifuss muscular dystrophy 4, autosomal dominant (EDMD4). Also called: EMERY-DREIFUSS MUSCULAR DYSTROPHY 4 WITH VARIABLE FEATURES. Identifiers: Orphanet 261, MedGen C2751807, MONDO:0013071, OMIM 612998.
Autosomal recessive ataxia, Beauce type. Also called: Spinocerebellar ataxia, autosomal recessive 8; ATAXIA, RECESSIVE, OF BEAUCE; SYNE1 Deficiency; SYNE1-Related Autosomal Recessive Cerebellar Ataxia. Identifiers: Orphanet 88644, MedGen C1853116, MONDO:0012549, OMIM 610743.

Allele frequency attached by ClinVar (database versions not stated): ExAC 0.00002; gnomAD 0.00002; gnomAD exomes 0.00002.
gnomAD v4.1: 36 of 1,614,048 alleles (0.0022%); highest among the groups gnomAD compares: Middle Eastern, 0.016%; no homozygotes.

Submissions (3):

Labcorp Genetics (formerly Invitae), Labcorp
Classification: Uncertain significance for Emery-Dreifuss muscular dystrophy 4, autosomal dominant; Autosomal recessive ataxia, Beauce type. Last evaluated: 2024-03-30. Review status: criteria provided, single submitter. Criteria: Invitae Variant Classification Sherloc (09022015). Collection method: clinical testing. Allele origin: germline.
Comment: This sequence change replaces arginine, which is basic and polar, with histidine, which is basic and polar, at codon 3386 of the SYNE1 protein (p.Arg3386His). This variant is present in population databases (rs764835758, gnomAD 0.008%). This variant has not been reported in the literature in individuals affected with SYNE1-related conditions. ClinVar contains an entry for this variant (Variation ID: 805537). An algorithm developed to predict the effect of missense changes on protein structure and function (PolyPhen-2) suggests that this variant is likely to be tolerated. In summary, the available evidence is currently insufficient to determine the role of this variant in disease. Therefore, it has been classified as a Variant of Uncertain Significance.

Athena Diagnostics
Classification: Uncertain significance. Last evaluated: 2019-05-23. Review status: criteria provided, single submitter. Criteria: Athena Diagnostics Criteria. Collection method: clinical testing. Allele origin: germline.

Revvity Omics, Revvity
Classification: Uncertain significance. Last evaluated: 2019-05-03. Review status: criteria provided, single submitter. Criteria: ACMG Guidelines, 2015. Collection method: clinical testing. Allele origin: germline.

NM_182961.4(SYNE1):c.10136G>A (p.Arg3379His)

Gene: SYNE1 (spectrin repeat containing nuclear envelope protein 1; minus strand). Cytogenetic location: 6q25.2.
Variant type: single nucleotide variant.
Coding change: c.10136G>A on transcript NM_182961.4 (MANE Select); coding-DNA position 10136, G replaced by A.
Protein change: p.Arg3379His; replaces arginine 3379 with histidine.
Molecular consequence: missense variant.
Genome position (GRCh38, 1-based): chr6:152,364,856, C>T on the plus strand (G>A on the coding strand, the complement: SYNE1 is on the minus strand). VCF-style: chr6-152364856-C-T. GRCh37 (hg19) VCF-style: chr6-152685991-C-T.
Other names: c.10157G>A, p.Arg3386His (NM_033071.5); c.10157G>A (NM_033071.3); short protein forms R3379H, R3386H.
Identifiers: ClinVar variation 805537 (VCV000805537.6), dbSNP rs764835758, ClinGen allele CA4057071.